The following is an entry in ClinVar:

ClinVar aggregate classification (germline): Uncertain significance (1 of 4 stars; one submission).

Allele frequency attached by ClinVar (database versions not stated): TOPMed below 0.00001; ExAC 0.00001; gnomAD exomes 0.00001.
gnomAD v4.1: 5 of 1,614,156 alleles (0.00031%); highest among the groups gnomAD compares: Admixed American, 0.0083%; no homozygotes.

Submission:

Ambry Genetics
Classification: Uncertain significance. Last evaluated: 2024-11-21. Review status: criteria provided, single submitter. Criteria: Ambry Variant Classification Scheme 2023. Collection method: clinical testing. Allele origin: germline.
Comment: The p.K1090R variant (also known as c.3269A>G), located in coding exon 1 of the TET2 gene, results from an A to G substitution at nucleotide position 3269. The lysine at codon 1090 is replaced by arginine, an amino acid with highly similar properties. This amino acid position is conserved. In addition, this alteration is predicted to be tolerated by in silico analysis. Based on the available evidence, the clinical significance of this variant remains unclear.

NM_001127208.3(TET2):c.3269A>G (p.Lys1090Arg)

Genes: TET2 (tet methylcytosine dioxygenase 2; plus strand), TET2-AS1 (TET2 antisense RNA 1; minus strand). Cytogenetic location: 4q24.
Variant type: single nucleotide variant.
Coding change: c.3269A>G on transcript NM_001127208.3 (MANE Select); coding-DNA position 3269, A replaced by G.
Protein change: p.Lys1090Arg; replaces lysine 1090 with arginine.
Molecular consequence: missense variant.
Genome position (GRCh38, 1-based): chr4:105,237,211, A>G. VCF-style: chr4-105237211-A-G. GRCh37 (hg19) VCF-style: chr4-106158368-A-G.
Other names: c.3269A>G, p.Lys1090Arg (NM_017628.4); short protein forms K1090R.
Identifiers: ClinVar variation 2220094 (VCV002220094.3), dbSNP rs772755257, ClinGen allele CA3032051.